The following is an entry in ClinVar:

ClinVar aggregate classification (germline): Uncertain significance. Review status: criteria provided, multiple submitters, no conflicts (2 of 4 stars). 2 submissions from 2 submitters: Uncertain significance (2). Last evaluated 2025-10-11.

Conditions:
Epilepsy, familial focal, with variable foci 4 (FFEVF4). Identifiers: MedGen C4693694, MONDO:0054776, OMIM 617935.

Allele frequency attached by ClinVar (database versions not stated): gnomAD exomes 0.00002 and 0.00001; ExAC 0.00001; gnomAD 0.00001.

Submissions (2):

Labcorp Genetics (formerly Invitae), Labcorp
Classification: Uncertain significance. Last evaluated: 2025-10-11. Review status: criteria provided, single submitter. Criteria: Invitae Variant Classification Sherloc (09022015). Collection method: clinical testing. Allele origin: germline.
Comment: This sequence change replaces arginine, which is basic and polar, with histidine, which is basic and polar, at codon 28 of the SCN3A protein (p.Arg28His). This variant is present in population databases (rs775711350, gnomAD 0.003%). This variant has not been reported in the literature in individuals affected with SCN3A-related conditions. ClinVar contains an entry for this variant (Variation ID: 1480919). An algorithm developed to predict the effect of missense changes on protein structure and function outputs the following: PolyPhen-2: "Probably Damaging". The histidine amino acid residue is found in multiple mammalian species, which suggests that this missense change does not adversely affect protein function. In summary, the available evidence is currently insufficient to determine the role of this variant in disease. Therefore, it has been classified as a Variant of Uncertain Significance.

Neuberg Centre For Genomic Medicine, NCGM
Classification: Uncertain significance for Epilepsy, familial focal, with variable foci 4. Review status: criteria provided, single submitter. Criteria: ACMG Guidelines, 2015. Collection method: clinical testing. Allele origin: germline. Inheritance: Autosomal dominant inheritance. Affected: yes.
Comment: The missense c.83G>Ap.Arg28His variant in SCN3A gene has not been reported previously as a pathogenic variant nor as a benign variant, to our knowledge. This variant is reported with the allele frequency of 0.0008% in the gnomAD Exomes and novel in 1000 Genomes. This variant has been reported to the ClinVar database as Uncertain Significance. However, no details are available for independent assessment. The amino acid Arg at position 28 is changed to a His changing protein sequence and it might alter its composition and physico-chemical properties. The amino acid change p.Arg28His in SCN3A is predicted as conserved by GERP++ and PhyloP across 100 vertebrates. The variant is predicted as damaging by SIFT. For these reasons, this variant has been classified as Uncertain Significance.

NM_006922.4(SCN3A):c.83G>A (p.Arg28His)

Gene: SCN3A (sodium voltage-gated channel alpha subunit 3; minus strand). Cytogenetic location: 2q24.3.
Variant type: single nucleotide variant.
Coding change: c.83G>A on transcript NM_006922.4 (MANE Select); coding-DNA position 83, G replaced by A.
Protein change: p.Arg28His; replaces arginine 28 with histidine.
Molecular consequence: missense variant.
Genome position (GRCh38, 1-based): chr2:165,176,312, C>T on the plus strand (G>A on the coding strand, the complement: SCN3A is on the minus strand). VCF-style: chr2-165176312-C-T. GRCh37 (hg19) VCF-style: chr2-166032822-C-T.
Other names: c.83G>A, p.Arg28His (NM_001081676.2, NM_001081677.2); short protein forms R28H.
Identifiers: ClinVar variation 1480919 (VCV001480919.7), dbSNP rs775711350, ClinGen allele CA1939503.